The following is an entry in ClinVar:

NM_001330700.2(TOP2B):c.67G>T (p.Val23Leu)

Genes: TOP2B (DNA topoisomerase II beta; minus strand), LOC129936375 (ATAC-STARR-seq lymphoblastoid silent region 14146; plus strand). Cytogenetic location: 3p24.2.
Variant type: single nucleotide variant.
Coding change: c.67G>T on transcript NM_001330700.2 (MANE Select); coding-DNA position 67, G replaced by T.
Protein change: p.Val23Leu; replaces valine 23 with leucine.
Molecular consequence: missense variant.
Genome position (GRCh38, 1-based): chr3:25,664,231, C>A on the plus strand (G>T on the coding strand, the complement: TOP2B is on the minus strand). VCF-style: chr3-25664231-C-A. GRCh37 (hg19) VCF-style: chr3-25705722-C-A.
Other names: c.67G>T, p.Val23Leu (NM_001068.3); short protein forms V23L.
Identifiers: ClinVar variation 4748379 (VCV004748379.1).

ClinVar aggregate classification (germline): Uncertain significance (1 of 4 stars; one submission).

gnomAD v4.1: 3 of 1,539,724 alleles (0.00019%); highest among the groups gnomAD compares: Middle Eastern, 0.018%; no homozygotes.

Submission:

Labcorp Genetics (formerly Invitae), Labcorp
Classification: Uncertain significance. Last evaluated: 2025-08-04. Review status: criteria provided, single submitter. Criteria: Invitae Variant Classification Sherloc (09022015). Collection method: clinical testing. Allele origin: germline.
Comment: This sequence change replaces valine, which is neutral and non-polar, with leucine, which is neutral and non-polar, at codon 23 of the TOP2B protein (p.Val23Leu). This variant is not present in population databases (gnomAD no frequency). This variant has not been reported in the literature in individuals affected with TOP2B-related conditions. An algorithm developed to predict the effect of missense changes on protein structure and function (PolyPhen-2) suggests that this variant is likely to be tolerated. In summary, the available evidence is currently insufficient to determine the role of this variant in disease. Therefore, it has been classified as a Variant of Uncertain Significance.